The following is an entry in ClinVar:

NM_005327.7(HADH):c.443C>T (p.Thr148Ile)

Gene: HADH (hydroxyacyl-CoA dehydrogenase; plus strand). Cytogenetic location: 4q25.
Variant type: single nucleotide variant.
Coding change: c.443C>T on transcript NM_005327.7 (MANE Select); coding-DNA position 443, C replaced by T.
Protein change: p.Thr148Ile; replaces threonine 148 with isoleucine.
Molecular consequence: missense variant.
Genome position (GRCh38, 1-based): chr4:108,019,563, C>T. VCF-style: chr4-108019563-C-T. GRCh37 (hg19) VCF-style: chr4-108940719-C-T.
Other names: c.443C>T, p.Thr148Ile (NM_001184705.4); c.455C>T, p.Thr152Ile (NM_001331027.2); short protein forms T152I, T148I.
Identifiers: ClinVar variation 2126283 (VCV002126283.4), dbSNP rs2477237616, ClinGen allele CA357832783.

ClinVar aggregate classification (germline): Uncertain significance (1 of 4 stars; one submission).

Conditions:
Deficiency of 3-hydroxyacyl-CoA dehydrogenase. Also called: 3-hydroxyacyl-CoA dehydrogenase deficiency; HADH DEFICIENCY. Identifiers: Orphanet 309127, Orphanet 71212, MedGen C1291230, MONDO:0017715, OMIM 231530.

Submission:

Labcorp Genetics (formerly Invitae), Labcorp
Classification: Uncertain significance for Deficiency of 3-hydroxyacyl-CoA dehydrogenase. Last evaluated: 2022-08-05. Review status: criteria provided, single submitter. Criteria: Invitae Variant Classification Sherloc (09022015). Collection method: clinical testing. Allele origin: germline.
Comment: In summary, the available evidence is currently insufficient to determine the role of this variant in disease. Therefore, it has been classified as a Variant of Uncertain Significance. Algorithms developed to predict the effect of missense changes on protein structure and function (SIFT, PolyPhen-2, Align-GVGD) all suggest that this variant is likely to be disruptive. This variant has not been reported in the literature in individuals affected with HADH-related conditions. This variant is not present in population databases (gnomAD no frequency). This sequence change replaces threonine, which is neutral and polar, with isoleucine, which is neutral and non-polar, at codon 148 of the HADH protein (p.Thr148Ile).